The following is an entry in ClinVar:

ClinVar aggregate classification (germline): Uncertain significance. Review status: criteria provided, multiple submitters, no conflicts (2 of 4 stars). 2 submissions from 2 submitters: Uncertain significance (2). Last evaluated 2024-10-16.

Allele frequency attached by ClinVar (database versions not stated): gnomAD exomes below 0.00001 and 0.00001; ExAC 0.00001; gnomAD 0.00001; TOPMed 0.00002; 1000 Genomes Project 30x 0.00016; 1000 Genomes Project 0.00020.
gnomAD v4.1: 17 of 1,614,060 alleles (0.0011%); highest among the groups gnomAD compares: Middle Eastern, 0.033%; no homozygotes.

Submissions (2):

Labcorp Genetics (formerly Invitae), Labcorp
Classification: Uncertain significance. Last evaluated: 2024-10-16. Review status: criteria provided, single submitter. Criteria: Invitae Variant Classification Sherloc (09022015). Collection method: clinical testing. Allele origin: germline.
Comment: This sequence change disrupts the translational stop signal of the TTLL5 mRNA. It is expected to extend the length of the TTLL5 protein by 30 additional amino acid residues. This variant is present in population databases (rs200245431, gnomAD 0.007%). This variant has not been reported in the literature in individuals affected with TTLL5-related conditions. ClinVar contains an entry for this variant (Variation ID: 934837). In summary, the available evidence is currently insufficient to determine the role of this variant in disease. Therefore, it has been classified as a Variant of Uncertain Significance.

Blueprint Genetics
Classification: Uncertain significance. Last evaluated: 2022-11-28. Review status: criteria provided, single submitter. Criteria: ACMG Guidelines, 2015. Collection method: clinical testing. Allele origin: germline.

NM_015072.5(TTLL5):c.3844T>C (p.Ter1282Arg)

Gene: TTLL5 (tubulin tyrosine ligase like 5; plus strand). Cytogenetic location: 14q24.3.
Variant type: single nucleotide variant.
Coding change: c.3844T>C on transcript NM_015072.5 (MANE Select); coding-DNA position 3844, T replaced by C.
Protein change: p.Ter1282Arg.
Molecular consequence: stop lost.
Genome position (GRCh38, 1-based): chr14:75,954,444, T>C. VCF-style: chr14-75954444-T-C. GRCh37 (hg19) VCF-style: chr14-76420787-T-C.
Other names: *1282R.
Identifiers: ClinVar variation 934837 (VCV000934837.7), dbSNP rs200245431, ClinGen allele CA7280216.
Genomic context (GRCh38, chr14:75,954,444, plus strand): 5'-GTCATTTCATTCATTTCATGGTTGCCTTTCTCTTTTTCAGATCCTGCTCACACTAAAATA[T>C]GAACCACAAACACACAGAGAAACAACCTGTTCACCACTCCTGGGTGCATGATTGAGGGTG-3'